The following is an entry in ClinVar:

ClinVar aggregate classification (germline): Uncertain significance (1 of 4 stars; one submission).

Conditions:
Brugada syndrome. Also called: Sudden unexpected nocturnal death syndrome; Sudden unexplained nocturnal death syndrome; Sudden Unexplained Death Syndrome; Sudden Unexplained Nocturnal Death Syndrome (SUNDS). Identifiers: Orphanet 130, MedGen C1142166, MONDO:0015263.

Allele frequency attached by ClinVar (database versions not stated): gnomAD exomes below 0.00001.
gnomAD v4.1: 1 of 1,613,502 alleles (0.000062%); highest among the groups gnomAD compares: East Asian, 0.0022%; no homozygotes.

Submission:

Labcorp Genetics (formerly Invitae), Labcorp
Classification: Uncertain significance for Brugada syndrome. Last evaluated: 2021-03-23. Review status: criteria provided, single submitter. Criteria: Invitae Variant Classification Sherloc (09022015). Collection method: clinical testing. Allele origin: germline.
Comment: In summary, the available evidence is currently insufficient to determine the role of this variant in disease. Therefore, it has been classified as a Variant of Uncertain Significance. Algorithms developed to predict the effect of missense changes on protein structure and function output the following: SIFT: "Tolerated"; PolyPhen-2: "Benign"; Align-GVGD: "Class C0". The alanine amino acid residue is found in multiple mammalian species, suggesting that this missense change does not adversely affect protein function. These predictions have not been confirmed by published functional studies and their clinical significance is uncertain. This variant has not been reported in the literature in individuals with SCN10A-related conditions. This variant is not present in population databases (ExAC no frequency). This sequence change replaces valine with alanine at codon 202 of the SCN10A protein (p.Val202Ala). The valine residue is moderately conserved and there is a small physicochemical difference between valine and alanine.

NM_006514.4(SCN10A):c.605T>C (p.Val202Ala)

Gene: SCN10A (sodium voltage-gated channel alpha subunit 10; minus strand). Cytogenetic location: 3p22.2.
Variant type: single nucleotide variant.
Coding change: c.605T>C on transcript NM_006514.4 (MANE Select); coding-DNA position 605, T replaced by C.
Protein change: p.Val202Ala; replaces valine 202 with alanine.
Molecular consequence: missense variant.
Genome position (GRCh38, 1-based): chr3:38,763,591, A>G on the plus strand (T>C on the coding strand, the complement: SCN10A is on the minus strand). VCF-style: chr3-38763591-A-G. GRCh37 (hg19) VCF-style: chr3-38805082-A-G.
Other names: c.605T>C, p.Val202Ala (NM_001293306.2, NM_001293307.2); short protein forms V202A.
Identifiers: ClinVar variation 1047196 (VCV001047196.5), dbSNP rs2063900078, ClinGen allele CA352172225.
Genomic context (GRCh38, chr3:38,763,591, plus strand): 5'-GCTCTAAGAACTCTGAATGTCCGCAGGCCTGAGATCCCACGGAGATCTATTGCTGTGCCA[A>G]CATATCTGTAGGACCAGAAGTTAGTCAGCATCTCTGCAAGCAAGGGTCCTGGGGATGCAT-3'
Protein context (NP_006505.4, residues 192-212): LDFSVITLAY[Val202Ala]GTAIDLRGIS